The following is an entry in ClinVar:

NM_000789.4(ACE):c.1486C>T (p.Arg496Ter)

Gene: ACE (angiotensin I converting enzyme; plus strand). Cytogenetic location: 17q23.3.
Variant type: single nucleotide variant.
Coding change: c.1486C>T on transcript NM_000789.4 (MANE Select); coding-DNA position 1486, C replaced by T.
Protein change: p.Arg496Ter; replaces arginine 496 with a stop codon.
Molecular consequence: nonsense.
Genome position (GRCh38, 1-based): chr17:63,483,172, C>T. VCF-style: chr17-63483172-C-T. GRCh37 (hg19) VCF-style: chr17-61560533-C-T.
Other names: short protein forms R496*.
Identifiers: ClinVar variation 50208 (VCV000050208.42), dbSNP rs397514688, ClinGen allele CA143699.

ClinVar aggregate classification (germline): Pathogenic/Likely pathogenic. Review status: criteria provided, multiple submitters, no conflicts (2 of 4 stars). 5 submissions from 5 submitters: Pathogenic (3); Likely pathogenic (1). 1 of the submissions does not count toward it. Last evaluated 2025-07-17.

Conditions:
Renal tubular dysgenesis. Also called: Renotubular dysgenesis. Identifiers: Orphanet 3033, MedGen C0266313, MONDO:0017609, HP:0008660.
Abnormality of prenatal development or birth. Identifiers: MedGen C4025797, HP:0001197.

Allele frequency attached by ClinVar (database versions not stated): gnomAD exomes 0.00001 and 0.00002; ExAC 0.00002; gnomAD 0.00003; TOPMed 0.00003.
gnomAD v4.1: 29 of 1,613,668 alleles (0.0018%); highest among the groups gnomAD compares: African/African-American, 0.0093%; no homozygotes.

Submissions (5):

GeneDx
Classification: Pathogenic. Last evaluated: 2025-07-17. Review status: criteria provided, single submitter. Criteria: GeneDx Variant Classification Process June 2021. Collection method: clinical testing. Allele origin: germline. Affected: yes.
Comment: Nonsense variant predicted to result in protein truncation or nonsense mediated decay in a gene for which loss of function is a known mechanism of disease; This variant is associated with the following publications: (PMID: 38374194, 22095942)

CeGaT Center for Human Genetics Tuebingen
Classification: Pathogenic. Last evaluated: 2025-07-01. Review status: criteria provided, single submitter. Criteria: CeGaT Center For Human Genetics Tuebingen Variant Classification Criteria Version 2. Collection method: clinical testing. Allele origin: germline. Affected: yes. Observed: 1 variant allele.
Comment: ACE: PVS1, PM2, PM3, PP4

Kariminejad - Najmabadi Pathology & Genetics Center
Classification: Likely pathogenic for Abnormality of prenatal development or birth. Last evaluated: 2021-07-10. Review status: criteria provided, single submitter. Criteria: ACMG Guidelines, 2015. Collection method: clinical testing. Allele origin: germline. Affected: yes.

Labcorp Genetics (formerly Invitae), Labcorp
Classification: Pathogenic. Last evaluated: 2021-04-09. Review status: criteria provided, single submitter. Criteria: Invitae Variant Classification Sherloc (09022015). Collection method: clinical testing. Allele origin: germline.
Comment: For these reasons, this variant has been classified as Pathogenic. Algorithms developed to predict the effect of sequence changes on RNA splicing suggest that this variant may disrupt the consensus splice site, but this prediction has not been confirmed by published transcriptional studies. This variant has been observed in individual(s) with clinical features of renal tubular dysgenesis (PMID: 22095942). ClinVar contains an entry for this variant (Variation ID: 50208). This variant is present in population databases (rs397514688, ExAC 0.002%). This sequence change creates a premature translational stop signal (p.Arg496*) in the ACE gene. It is expected to result in an absent or disrupted protein product. Loss-of-function variants in ACE are known to be pathogenic (PMID: 22095942).

OMIM
Classification: Pathogenic for RENAL TUBULAR DYSGENESIS. Last evaluated: 2012-02-01. Review status: no assertion criteria provided. Collection method: literature only. Allele origin: germline. Not counted in ClinVar's aggregate classification.

Literature cited by the submitters: PubMed 22095942 (cited by Labcorp Genetics (formerly Invitae), Labcorp and OMIM).